The following is an entry in ClinVar:

NM_004958.4(MTOR):c.138C>G (p.His46Gln)

Gene: MTOR (mechanistic target of rapamycin kinase; minus strand). Cytogenetic location: 1p36.22.
Variant type: single nucleotide variant.
Coding change: c.138C>G on transcript NM_004958.4 (MANE Select); coding-DNA position 138, C replaced by G.
Protein change: p.His46Gln; replaces histidine 46 with glutamine.
Molecular consequence: missense variant. On other transcripts: 5 prime UTR variant (1).
Genome position (GRCh38, 1-based): chr1:11,259,272, G>C on the plus strand (C>G on the coding strand, the complement: MTOR is on the minus strand). VCF-style: chr1-11259272-G-C. GRCh37 (hg19) VCF-style: chr1-11319329-G-C.
Other names: c.138C>G, p.His46Gln (NM_001386500.1); c.-1002C>G (NM_001386501.1); short protein forms H46Q.
Identifiers: ClinVar variation 1923996 (VCV001923996.6), dbSNP rs1326881059, ClinGen allele CA338405163.

ClinVar aggregate classification (germline): Conflicting classifications of pathogenicity. Review status: criteria provided, conflicting classifications (1 of 4 stars). 2 submissions from 2 submitters: Uncertain significance (1); Benign (1). Last evaluated 2023-07-10.

Conditions:
Inborn genetic diseases. Identifiers: MedGen C0950123, MeSH D030342.

Allele frequency attached by ClinVar (database versions not stated): TOPMed below 0.00001.
gnomAD v4.1: 2 of 1,614,006 alleles (0.00012%); highest among the groups gnomAD compares: East Asian, 0.0022%; no homozygotes.

Submissions (2):

Labcorp Genetics (formerly Invitae), Labcorp
Classification: Benign. Last evaluated: 2023-07-10. Review status: criteria provided, single submitter. Criteria: Invitae Variant Classification Sherloc (09022015). Collection method: clinical testing. Allele origin: germline.

Ambry Genetics
Classification: Uncertain significance for Inborn genetic diseases. Last evaluated: 2021-01-27. Review status: criteria provided, single submitter. Criteria: Ambry Variant Classification Scheme 2023. Collection method: clinical testing. Allele origin: germline.
Comment: The c.138C>G (p.H46Q) alteration is located in exon 2 (coding exon 1) of the MTOR gene. This alteration results from a C to G substitution at nucleotide position 138, causing the histidine (H) at amino acid position 46 to be replaced by a glutamine (Q). The p.H46Q alteration is predicted to be tolerated by in silico analysis. Based on insufficient or conflicting evidence, the clinical significance of this alteration remains unclear.